The following is an entry in ClinVar:

ClinVar aggregate classification (germline): Uncertain significance (1 of 4 stars; one submission).

Allele frequency attached by ClinVar (database versions not stated): gnomAD exomes below 0.00001 and 0.00001; TOPMed below 0.00001; gnomAD 0.00001.
gnomAD v4.1: 5 of 1,612,332 alleles (0.00031%); highest among the groups gnomAD compares: Non-Finnish European, 0.00025%; no homozygotes.

Submission:

Labcorp Genetics (formerly Invitae), Labcorp
Classification: Uncertain significance. Last evaluated: 2021-02-05. Review status: criteria provided, single submitter. Criteria: Invitae Variant Classification Sherloc (09022015). Collection method: clinical testing. Allele origin: germline.
Comment: This variant has not been reported in the literature in individuals with LTBP2-related conditions. Algorithms developed to predict the effect of missense changes on protein structure and function are either unavailable or do not agree on the potential impact of this missense change (SIFT: "Deleterious"; PolyPhen-2: "Benign"; Align-GVGD: "Class C65"). In summary, the available evidence is currently insufficient to determine the role of this variant in disease. Therefore, it has been classified as a Variant of Uncertain Significance. This variant is not present in population databases (ExAC no frequency). This sequence change replaces glutamic acid with alanine at codon 1574 of the LTBP2 protein (p.Glu1574Ala). The glutamic acid residue is highly conserved and there is a moderate physicochemical difference between glutamic acid and alanine.

NM_000428.3(LTBP2):c.4721A>C (p.Glu1574Ala)

Gene: LTBP2 (latent transforming growth factor beta binding protein 2; minus strand). Cytogenetic location: 14q24.3.
Variant type: single nucleotide variant.
Coding change: c.4721A>C on transcript NM_000428.3 (MANE Select); coding-DNA position 4721, A replaced by C.
Protein change: p.Glu1574Ala; replaces glutamic acid 1574 with alanine.
Molecular consequence: missense variant.
Genome position (GRCh38, 1-based): chr14:74,503,386, T>G on the plus strand (A>C on the coding strand, the complement: LTBP2 is on the minus strand). VCF-style: chr14-74503386-T-G. GRCh37 (hg19) VCF-style: chr14-74970089-T-G.
Other names: short protein forms E1574A.
Identifiers: ClinVar variation 1440252 (VCV001440252.8), dbSNP rs1412388667, ClinGen allele CA390384948.
Genomic context (GRCh38, chr14:74,503,386, plus strand): 5'-ACATCATTGGTGACTTTTTTCCAGCAGATGTCCATGTGGATGTCGTGGTCAGGGAGGTCC[T>G]CTGGTGGCACAGGGCACGGAGGCACATGAGCCCCCCAGCCCAGGTACCCTTCTCCTGCTC-3'
Protein context (NP_000419.1, residues 1564-1584): QRCMNSTSST[Glu1574Ala]DLPDHDIHMD